The following is an entry in ClinVar:

ClinVar aggregate classification (germline): Pathogenic/Likely pathogenic. Review status: criteria provided, multiple submitters, no conflicts (2 of 4 stars). 2 submissions from 2 submitters: Pathogenic (1); Likely pathogenic (1). Last evaluated 2026-06-30.

Conditions:
Telangiectasia, hereditary hemorrhagic, type 5 (HHT5). Identifiers: Orphanet 774, MedGen C3809710, MONDO:0014217, OMIM 615506.
Heritable pulmonary arterial hypertension. Identifiers: Orphanet 275777, MedGen C0340543, MONDO:0017148.

gnomAD v4.1: 1 of 1,614,014 alleles (0.000062%); highest among the groups gnomAD compares: Non-Finnish European, 0.000085%; no homozygotes.

Submissions (2):

Department of Human Genetics, University Hospital Bern, Inselspital
Classification: Likely pathogenic for Heritable pulmonary arterial hypertension. Last evaluated: 2026-06-30. Review status: criteria provided, single submitter. Criteria: ACMG Guidelines, 2015. Collection method: clinical testing. Allele origin: germline. Affected: yes. Observed: 1 variant allele.
Comment: The nonsense variant c.1063G>T p.(Glu355*) creates a premature stop codon and most likely a truncatd protein (no nonsense mediated mRNA decay). It is present in gnomAD v4.1 with a frequency of 0.00006%. The variant has been reported before in association with hereditary hemorrhagic telangiectasia.

Labcorp Genetics (formerly Invitae), Labcorp
Classification: Pathogenic for Telangiectasia, hereditary hemorrhagic, type 5. Last evaluated: 2025-02-13. Review status: criteria provided, single submitter. Criteria: Invitae Variant Classification Sherloc (09022015). Collection method: clinical testing. Allele origin: germline.
Comment: This sequence change creates a premature translational stop signal (p.Glu355*) in the GDF2 gene. While this is not anticipated to result in nonsense mediated decay, it is expected to disrupt the last 75 amino acid(s) of the GDF2 protein. This variant is present in population databases (no rsID available, gnomAD 0.0009%). This variant has not been reported in the literature in individuals affected with GDF2-related conditions. This variant disrupts a region of the GDF2 protein in which other variant(s) (p.Val423Met) have been determined to be pathogenic (PMID: 30578397, 31727138). This suggests that this is a clinically significant region of the protein, and that variants that disrupt it are likely to be disease-causing. For these reasons, this variant has been classified as Pathogenic.

Literature cited by the submitters: PubMed 30578397 (cited by Labcorp Genetics (formerly Invitae), Labcorp); PubMed 31727138 (cited by Labcorp Genetics (formerly Invitae), Labcorp).

NM_016204.4(GDF2):c.1063G>T (p.Glu355Ter)

Gene: GDF2 (growth differentiation factor 2; plus strand). Cytogenetic location: 10q11.22.
Variant type: single nucleotide variant.
Coding change: c.1063G>T on transcript NM_016204.4 (MANE Select); coding-DNA position 1063, G replaced by T.
Protein change: p.Glu355Ter; replaces glutamic acid 355 with a stop codon.
Molecular consequence: nonsense.
Genome position (GRCh38, 1-based): chr10:47,325,557, G>T. VCF-style: chr10-47325557-G-T. GRCh37 (hg19) VCF-style: chr10-48413805-C-A.
Other names: short protein forms E355*.
Identifiers: ClinVar variation 3719687 (VCV003719687.3).